The following is an entry in ClinVar:

ClinVar aggregate classification (germline): Benign. Review status: criteria provided, multiple submitters, no conflicts (2 of 4 stars). 6 submissions from 4 submitters: Benign (6). Last evaluated 2021-10-25.

Conditions:
Muscular dystrophy-dystroglycanopathy (congenital with brain and eye anomalies), type A1 (MDDGA1). Also called: WALKER-WARBURG SYNDROME OR MUSCLE-EYE-BRAIN DISEASE, POMT1-RELATED; Hydrocephalus, agyria and retinal dysplasia; Hard +/- E syndrome; Warburg syndrome; Chemke syndrome; Pagon syndrome. Identifiers: Orphanet 588, Orphanet 899, MedGen C4284790, MONDO:0009364, OMIM 236670.
Autosomal recessive limb-girdle muscular dystrophy type 2K. Also called: MUSCULAR DYSTROPHY-DYSTROGLYCANOPATHY (LIMB-GIRDLE), TYPE C, 1; MUSCULAR DYSTROPHY, LIMB-GIRDLE, TYPE 2K. Identifiers: Orphanet 86812, MedGen C1836373, MONDO:0012248, OMIM 609308.
Muscular dystrophy-dystroglycanopathy (congenital with impaired intellectual development), type B, 1. Also called: Muscular dystrophy-dystroglycanopathy (congenital with intellectual disability), type B1; MUSCULAR DYSTROPHY, CONGENITAL, POMT1-RELATED. Identifiers: MedGen C5436962, MONDO:0013159, OMIM 613155.

Allele frequency attached by ClinVar (database versions not stated): 1000 Genomes Project 30x 0.86696; TOPMed 0.86893; 1000 Genomes Project 0.87081; ESP Exome Variant Server 0.88052; gnomAD 0.88264 and 0.88705; gnomAD exomes 0.94596.
gnomAD v4.1: 1,516,201 of 1,613,422 alleles (94%); highest among the groups gnomAD compares: South Asian, 97%; 714,691 homozygotes.

Submissions (6):

Genome-Nilou Lab
Classification: Benign for Muscular dystrophy-dystroglycanopathy (congenital with brain and eye anomalies), type A1. Last evaluated: 2021-10-25. Review status: criteria provided, single submitter. Criteria: ACMG Guidelines, 2015. Collection method: clinical testing. Allele origin: germline. Affected: no.

Genome-Nilou Lab
Classification: Benign for Muscular dystrophy-dystroglycanopathy (congenital with impaired intellectual development), type B, 1. Last evaluated: 2021-10-25. Review status: criteria provided, single submitter. Criteria: ACMG Guidelines, 2015. Collection method: clinical testing. Allele origin: germline. Affected: no.

Genome-Nilou Lab
Classification: Benign for Autosomal recessive limb-girdle muscular dystrophy type 2K. Last evaluated: 2021-10-25. Review status: criteria provided, single submitter. Criteria: ACMG Guidelines, 2015. Collection method: clinical testing. Allele origin: germline. Affected: no.

GeneDx
Classification: Benign. Last evaluated: 2018-06-14. Review status: criteria provided, single submitter. Criteria: GeneDx Variant Classification (06012015). Collection method: clinical testing. Allele origin: germline. Affected: yes.
Comment: This variant is considered likely benign or benign based on one or more of the following criteria: it is a conservative change, it occurs at a poorly conserved position in the protein, it is predicted to be benign by multiple in silico algorithms, and/or has population frequency not consistent with disease.

Breakthrough Genomics
Classification: Benign. Review status: criteria provided, single submitter. Criteria: ACMG Guidelines, 2015. Collection method: not provided. Allele origin: germline. Inheritance: Autosomal recessive inheritance. Affected: yes.

PreventionGenetics, part of Exact Sciences
Classification: Benign. Review status: criteria provided, single submitter. Criteria: ACMG Guidelines, 2015. Collection method: clinical testing. Allele origin: germline.

NM_001077365.2(POMT1):c.700-48A>G

Gene: POMT1 (protein O-mannosyltransferase 1; plus strand). Cytogenetic location: 9q34.13.
Variant type: single nucleotide variant.
Coding change: c.700-48A>G on transcript NM_001077365.2 (MANE Select); 48 bases into the intron before coding-DNA position 700, A replaced by G.
Molecular consequence: intron variant.
Genome position (GRCh38, 1-based): chr9:131,510,212, A>G. VCF-style: chr9-131510212-A-G. GRCh37 (hg19) VCF-style: chr9-134385599-A-G.
Other names: c.604-48A>G (NM_001353198.2, NM_001353197.2); c.766-48A>G (NM_001353193.2, NM_007171.4); c.700-48A>G (NM_001136113.2, NM_001374690.1); c.538-48A>G (NM_001353194.2, NM_001077366.2, NM_001374693.1); c.349-48A>G (NM_001374691.1, NM_001353195.2, NM_001374692.1 and 1 more transcripts); c.610-48A>G (NM_001353196.2); c.310-48A>G (NM_001374695.1); c.683-48A>G (NM_001374689.1); and 2 more.
Identifiers: ClinVar variation 260151 (VCV000260151.5), dbSNP rs2018621, ClinGen allele CA5293401.